The following is an entry in ClinVar:

ClinVar aggregate classification (germline): Uncertain significance. Review status: criteria provided, multiple submitters, no conflicts (2 of 4 stars). 2 submissions from 2 submitters: Uncertain significance (2). Last evaluated 2024-11-18.

Conditions:
Hereditary cancer-predisposing syndrome. Also called: Hereditary neoplastic syndrome; Neoplastic Syndromes, Hereditary; Hereditary Cancer Syndrome; Tumor predisposition. Identifiers: Orphanet 140162, MedGen C0027672, MeSH D009386, MONDO:0015356.
Gastrointestinal stromal tumor. Also called: Gastrointestinal stromal tumor, somatic; Gastrointestinal stroma tumor. Identifiers: Orphanet 44890, MedGen C0238198, MeSH D046152, MONDO:0011719, OMIM 606764, HP:0100723.

Submissions (2):

Labcorp Genetics (formerly Invitae), Labcorp
Classification: Uncertain significance for Gastrointestinal stromal tumor. Last evaluated: 2024-11-18. Review status: criteria provided, single submitter. Criteria: Invitae Variant Classification Sherloc (09022015). Collection method: clinical testing. Allele origin: germline.
Comment: This sequence change replaces glutamine, which is neutral and polar, with arginine, which is basic and polar, at codon 922 of the KIT protein (p.Gln922Arg). This variant is not present in population databases (gnomAD no frequency). This variant has not been reported in the literature in individuals affected with KIT-related conditions. ClinVar contains an entry for this variant (Variation ID: 570857). An algorithm developed to predict the effect of missense changes on protein structure and function (PolyPhen-2) suggests that this variant is likely to be tolerated. In summary, the available evidence is currently insufficient to determine the role of this variant in disease. Therefore, it has been classified as a Variant of Uncertain Significance.

Ambry Genetics
Classification: Uncertain significance for Hereditary cancer-predisposing syndrome. Last evaluated: 2023-04-30. Review status: criteria provided, single submitter. Criteria: Ambry Variant Classification Scheme 2023. Collection method: clinical testing. Allele origin: germline.
Comment: The p.Q922R variant (also known as c.2765A>G), located in coding exon 20 of the KIT gene, results from an A to G substitution at nucleotide position 2765. The glutamine at codon 922 is replaced by arginine, an amino acid with highly similar properties. This amino acid position is conserved. In addition, the in silico prediction for this alteration is inconclusive. Since supporting evidence is limited at this time, the clinical significance of this alteration remains unclear.

NM_000222.3(KIT):c.2765A>G (p.Gln922Arg)

Gene: KIT (KIT proto-oncogene, receptor tyrosine kinase; plus strand). Cytogenetic location: 4q12.
Variant type: single nucleotide variant.
Coding change: c.2765A>G on transcript NM_000222.3 (MANE Select); coding-DNA position 2765, A replaced by G.
Protein change: p.Gln922Arg; replaces glutamine 922 with arginine.
Molecular consequence: missense variant.
Genome position (GRCh38, 1-based): chr4:54,737,243, A>G. VCF-style: chr4-54737243-A-G. GRCh37 (hg19) VCF-style: chr4-55603409-A-G.
Other names: c.2753A>G, p.Gln918Arg (NM_001093772.2, NM_001385292.1); c.2768A>G, p.Gln923Arg (NM_001385284.1); c.2762A>G, p.Gln921Arg (NM_001385285.1); c.2750A>G, p.Gln917Arg (NM_001385286.1); c.2756A>G, p.Gln919Arg (NM_001385288.1); c.2765A>G, p.Gln922Arg (NM_001385290.1); short protein forms Q922R, Q918R, Q917R, Q919R, Q921R, Q923R.
Identifiers: ClinVar variation 570857 (VCV000570857.11), dbSNP rs1560425417, ClinGen allele CA356914471.